The following is an entry in ClinVar:

ClinVar aggregate classification (germline): Uncertain significance (1 of 4 stars; one submission).

Conditions:
Tay-Sachs disease (TSD). Also called: GM2 gangliosidosis, type 1; Hexosaminidase alpha-subunit deficiency (variant B); Sphingolipidosis, Tay-Sachs; Hexosaminidase A Deficiency; HEXA DEFICIENCY; HEXA Disorders. Identifiers: Orphanet 845, MedGen C0039373, MONDO:0010100, OMIM 272800.

gnomAD v4.1: 4 of 1,614,062 alleles (0.00025%); highest among the groups gnomAD compares: Admixed American, 0.0017%; no homozygotes.

Submission:

Labcorp Genetics (formerly Invitae), Labcorp
Classification: Uncertain significance for Tay-Sachs disease. Last evaluated: 2022-02-05. Review status: criteria provided, single submitter. Criteria: Invitae Variant Classification Sherloc (09022015). Collection method: clinical testing. Allele origin: germline.
Comment: This sequence change replaces tyrosine, which is neutral and polar, with histidine, which is basic and polar, at codon 400 of the HEXA protein (p.Tyr400His). This variant is not present in population databases (gnomAD no frequency). This variant has not been reported in the literature in individuals affected with HEXA-related conditions. Algorithms developed to predict the effect of missense changes on protein structure and function are either unavailable or do not agree on the potential impact of this missense change (SIFT: "Tolerated"; PolyPhen-2: "Probably Damaging"; Align-GVGD: "Class C0"). In summary, the available evidence is currently insufficient to determine the role of this variant in disease. Therefore, it has been classified as a Variant of Uncertain Significance.

NM_000520.6(HEXA):c.1198T>C (p.Tyr400His)

Gene: HEXA (hexosaminidase subunit alpha; minus strand). Cytogenetic location: 15q23.
Variant type: single nucleotide variant.
Coding change: c.1198T>C on transcript NM_000520.6 (MANE Select); coding-DNA position 1198, T replaced by C.
Protein change: p.Tyr400His; replaces tyrosine 400 with histidine.
Molecular consequence: missense variant.
Genome position (GRCh38, 1-based): chr15:72,346,659, A>G on the plus strand (T>C on the coding strand, the complement: HEXA is on the minus strand). VCF-style: chr15-72346659-A-G. GRCh37 (hg19) VCF-style: chr15-72639000-A-G.
Other names: c.1231T>C, p.Tyr411His (NM_001318825.2); short protein forms Y400H, Y411H.
Identifiers: ClinVar variation 2141657 (VCV002141657.1), dbSNP rs2542514602, ClinGen allele CA393061181.
Genomic context (GRCh38, chr15:72,346,659, plus strand): 5'-AGGGGGCAGAGAGAAGGGCCCGGAAGCCGGCCTTGGTGACCAGTTCCAGCTCCTTCATAT[A>G]GTTCACTGGAATATCCTCTCGCCACACCTGTATGATTGTGTCTGGCTGAATCTGTTATAA-3'
Protein context (NP_000511.2, residues 390-410): QVWREDIPVN[Tyr400His]MKELELVTKA